The following is an entry in ClinVar:

NM_015338.6(ASXL1):c.3368C>A (p.Pro1123Gln)

Gene: ASXL1 (ASXL transcriptional regulator 1; plus strand). Cytogenetic location: 20q11.21.
Variant type: single nucleotide variant.
Coding change: c.3368C>A on transcript NM_015338.6 (MANE Select); coding-DNA position 3368, C replaced by A.
Protein change: p.Pro1123Gln; replaces proline 1123 with glutamine.
Molecular consequence: missense variant.
Genome position (GRCh38, 1-based): chr20:32,436,080, C>A. VCF-style: chr20-32436080-C-A. GRCh37 (hg19) VCF-style: chr20-31023883-C-A.
Other names: c.3185C>A, p.Pro1062Gln (NM_001363734.1); short protein forms P1062Q, P1123Q.
Identifiers: ClinVar variation 4159073 (VCV004159073.1).

ClinVar aggregate classification (germline): Uncertain significance (1 of 4 stars; one submission).

Conditions:
Inborn genetic diseases. Identifiers: MedGen C0950123, MeSH D030342.

Submission:

Ambry Genetics
Classification: Uncertain significance for Inborn genetic diseases. Last evaluated: 2025-08-22. Review status: criteria provided, single submitter. Criteria: Ambry Variant Classification Scheme 2023. Collection method: clinical testing. Allele origin: germline.
Comment: The p.P1123Q variant (also known as c.3368C>A), located in coding exon 13 of the ASXL1 gene, results from a C to A substitution at nucleotide position 3368. The proline at codon 1123 is replaced by glutamine, an amino acid with similar properties. This amino acid position is conserved. In addition, this alteration is predicted to be tolerated by in silico analysis. Based on the available evidence, the clinical significance of this variant remains unclear.